The following is an entry in ClinVar:

NM_145725.3(TRAF3):c.1235C>T (p.Ala412Val)

Gene: TRAF3 (TNF receptor associated factor 3; plus strand). Cytogenetic location: 14q32.32.
Variant type: single nucleotide variant.
Coding change: c.1235C>T on transcript NM_145725.3 (MANE Select); coding-DNA position 1235, C replaced by T.
Protein change: p.Ala412Val; replaces alanine 412 with valine.
Molecular consequence: missense variant.
Genome position (GRCh38, 1-based): chr14:102,905,312, C>T. VCF-style: chr14-102905312-C-T. GRCh37 (hg19) VCF-style: chr14-103371649-C-T.
Other names: c.986C>T, p.Ala329Val (NM_001199427.2); c.1094C>T, p.Ala365Val (NM_001385142.1); c.1154C>T, p.Ala385Val (NM_001385143.1); c.1235C>T, p.Ala412Val (NM_003300.4); c.1160C>T, p.Ala387Val (NM_145726.3); short protein forms A365V, A329V, A385V, A387V, A412V.
Identifiers: ClinVar variation 4774737 (VCV004774737.1).

ClinVar aggregate classification (germline): Uncertain significance (1 of 4 stars; one submission).

Conditions:
Immunodeficiency 132A. Also called: Herpes simplex encephalitis, susceptibility to, 3. Identifiers: Orphanet 1930, MedGen C3553868, MONDO:0013920, OMIM 614849.

Submission:

Labcorp Genetics (formerly Invitae), Labcorp
Classification: Uncertain significance for Immunodeficiency 132A. Last evaluated: 2025-06-23. Review status: criteria provided, single submitter. Criteria: Invitae Variant Classification Sherloc (09022015). Collection method: clinical testing. Allele origin: germline.
Comment: This sequence change replaces alanine, which is neutral and non-polar, with valine, which is neutral and non-polar, at codon 412 of the TRAF3 protein (p.Ala412Val). This variant is not present in population databases (gnomAD no frequency). This variant has not been reported in the literature in individuals affected with TRAF3-related conditions. An algorithm developed to predict the effect of missense changes on protein structure and function (PolyPhen-2) suggests that this variant is likely to be disruptive. In summary, the available evidence is currently insufficient to determine the role of this variant in disease. Therefore, it has been classified as a Variant of Uncertain Significance.